The following is an entry in ClinVar:

NM_201525.4(ADGRG1):c.98G>A (p.Arg33His)

Gene: ADGRG1 (adhesion G protein-coupled receptor G1; plus strand). Cytogenetic location: 16q21.
Variant type: single nucleotide variant.
Coding change: c.98G>A on transcript NM_201525.4 (MANE Select); coding-DNA position 98, G replaced by A.
Protein change: p.Arg33His; replaces arginine 33 with histidine.
Molecular consequence: missense variant. On other transcripts: 5 prime UTR variant (1), intron variant (5).
Genome position (GRCh38, 1-based): chr16:57,651,233, G>A. VCF-style: chr16-57651233-G-A. GRCh37 (hg19) VCF-style: chr16-57685145-G-A.
Other names: c.98G>A, p.Arg33His (NM_001145770.3, NM_001145771.3, NM_001145772.3 and 17 more transcripts); c.113G>A, p.Arg38His (NM_001145773.3, NM_001370433.1); c.-428G>A (NM_001370453.1); c.-418-10G>A (NM_001370451.1, NM_001290143.2, NM_001290144.2); c.65-123G>A (NM_001370442.1); c.-414-14G>A (NM_001370454.1); c.98G>A (NM_005682.5); short protein forms R38H, R33H.
Identifiers: ClinVar variation 2077969 (VCV002077969.2), dbSNP rs759353835, ClinGen allele CA8078288.

ClinVar aggregate classification (germline): Uncertain significance. Review status: criteria provided, multiple submitters, no conflicts (2 of 4 stars). 2 submissions from 2 submitters: Uncertain significance (2). Last evaluated 2025-03-16.

Conditions:
Inborn genetic diseases. Identifiers: MedGen C0950123, MeSH D030342.

Allele frequency attached by ClinVar (database versions not stated): ExAC 0.00008; gnomAD exomes 0.00004; TOPMed 0.00006; gnomAD 0.00005.
gnomAD v4.1: 69 of 1,613,944 alleles (0.0043%); highest among the groups gnomAD compares: South Asian, 0.03%; no homozygotes.

Submissions (2):

Ambry Genetics
Classification: Uncertain significance for Inborn genetic diseases. Last evaluated: 2025-03-16. Review status: criteria provided, single submitter. Criteria: Ambry Variant Classification Scheme 2023. Collection method: clinical testing. Allele origin: germline.

Labcorp Genetics (formerly Invitae), Labcorp
Classification: Uncertain significance. Last evaluated: 2022-06-27. Review status: criteria provided, single submitter. Criteria: Invitae Variant Classification Sherloc (09022015). Collection method: clinical testing. Allele origin: germline.
Comment: This sequence change replaces arginine, which is basic and polar, with histidine, which is basic and polar, at codon 33 of the ADGRG1 protein (p.Arg33His). This variant is present in population databases (rs759353835, gnomAD 0.04%). This variant has not been reported in the literature in individuals affected with ADGRG1-related conditions. Algorithms developed to predict the effect of missense changes on protein structure and function are either unavailable or do not agree on the potential impact of this missense change (SIFT: "Tolerated"; PolyPhen-2: "Probably Damaging"; Align-GVGD: "Class C0"). In summary, the available evidence is currently insufficient to determine the role of this variant in disease. Therefore, it has been classified as a Variant of Uncertain Significance.